The following is an entry in ClinVar:

NM_017849.4(TMEM127):c.106C>T (p.Pro36Ser)

Genes: TMEM127 (transmembrane protein 127; minus strand), LOC129934333 (ATAC-STARR-seq lymphoblastoid silent region 11759; plus strand). Cytogenetic location: 2q11.2.
Variant type: single nucleotide variant.
Coding change: c.106C>T on transcript NM_017849.4 (MANE Select); coding-DNA position 106, C replaced by T.
Protein change: p.Pro36Ser; replaces proline 36 with serine.
Molecular consequence: missense variant. On other transcripts: intron variant (1).
Genome position (GRCh38, 1-based): chr2:96,265,276, G>A on the plus strand (C>T on the coding strand, the complement: TMEM127 is on the minus strand). VCF-style: chr2-96265276-G-A. GRCh37 (hg19) VCF-style: chr2-96931014-G-A.
Other names: c.106C>T, p.Pro36Ser (NM_001193304.3); c.-9+593C>T (NM_001407283.1); short protein forms P36S.
Identifiers: ClinVar variation 2448385 (VCV002448385.5), dbSNP rs2104308011, ClinGen allele CA347656104.

ClinVar aggregate classification (germline): Uncertain significance. Review status: criteria provided, multiple submitters, no conflicts (2 of 4 stars). 2 submissions from 2 submitters: Uncertain significance (2). Last evaluated 2023-04-19.

Conditions:
Hereditary cancer-predisposing syndrome. Also called: Neoplastic Syndromes, Hereditary; Tumor predisposition; Hereditary Cancer Syndrome; Hereditary neoplastic syndrome. Identifiers: Orphanet 140162, MedGen C0027672, MeSH D009386, MONDO:0015356.
Hereditary pheochromocytoma and paraganglioma. Also called: Hereditary paragangliomas and pheochromocytomas; Hereditary Paraganglioma-Pheochromocytoma Syndromes; Hereditary pheochromocytoma-paraganglioma. Identifiers: Orphanet 29072, MedGen C4274332, MONDO:0017366.

Submissions (2):

Labcorp Genetics (formerly Invitae), Labcorp
Classification: Uncertain significance for Hereditary pheochromocytoma and paraganglioma. Last evaluated: 2023-04-19. Review status: criteria provided, single submitter. Criteria: Invitae Variant Classification Sherloc (09022015). Collection method: clinical testing. Allele origin: germline.
Comment: An algorithm developed to predict the effect of missense changes on protein structure and function (PolyPhen-2) suggests that this variant is likely to be disruptive. This variant has not been reported in the literature in individuals affected with TMEM127-related conditions. This variant is not present in population databases (gnomAD no frequency). This sequence change replaces proline, which is neutral and non-polar, with serine, which is neutral and polar, at codon 36 of the TMEM127 protein (p.Pro36Ser). In summary, the available evidence is currently insufficient to determine the role of this variant in disease. Therefore, it has been classified as a Variant of Uncertain Significance.

Ambry Genetics
Classification: Uncertain significance for Hereditary cancer-predisposing syndrome. Last evaluated: 2023-02-05. Review status: criteria provided, single submitter. Criteria: Ambry Variant Classification Scheme 2023. Collection method: clinical testing. Allele origin: germline.
Comment: The p.P36S variant (also known as c.106C>T), located in coding exon 1 of the TMEM127 gene, results from a C to T substitution at nucleotide position 106. The proline at codon 36 is replaced by serine, an amino acid with similar properties. This amino acid position is conserved. In addition, the in silico prediction for this alteration is inconclusive. Since supporting evidence is limited at this time, the clinical significance of this alteration remains unclear.